The following is an entry in ClinVar:

NM_003611.3(OFD1):c.2381A>G (p.Lys794Arg)

Gene: OFD1 (OFD1 centriole and centriolar satellite protein; plus strand). Cytogenetic location: Xp22.2.
Variant type: single nucleotide variant.
Coding change: c.2381A>G on transcript NM_003611.3 (MANE Select); coding-DNA position 2381, A replaced by G.
Protein change: p.Lys794Arg; replaces lysine 794 with arginine.
Molecular consequence: missense variant.
Genome position (GRCh38, 1-based): chrX:13,761,205, A>G. VCF-style: chrX-13761205-A-G. GRCh37 (hg19) VCF-style: chrX-13779324-A-G.
Other names: c.2261A>G, p.Lys754Arg (NM_001330209.2); c.1961A>G, p.Lys654Arg (NM_001330210.2); short protein forms K754R, K794R, K654R.
Identifiers: ClinVar variation 1979121 (VCV001979121.5), dbSNP rs2047913969, ClinGen allele CA412345127.

ClinVar aggregate classification (germline): Uncertain significance. Review status: criteria provided, multiple submitters, no conflicts (2 of 4 stars). 2 submissions from 2 submitters: Uncertain significance (2). Last evaluated 2023-08-01.

Conditions:
Orofaciodigital syndrome I (OFD1). Also called: OFDS I; Oral-Facial-Digital Syndrome Type I; Papillon-Leage and Psaume Syndrome. Identifiers: Orphanet 2750, MedGen C1510460, MONDO:0010702, OMIM 311200.
Joubert syndrome. Also called: JOUBERT-BOLTSHAUSER SYNDROME; Familial aplasia of the vermis. Identifiers: Orphanet 475, MedGen C5979921, MONDO:0018772.

Allele frequency attached by ClinVar (database versions not stated): gnomAD exomes 0.00001; gnomAD 0.00002; TOPMed 0.00002.
gnomAD v4.1: 6 of 1,208,262 alleles (0.0005%); highest among the groups gnomAD compares: African/African-American, 0.0035%; no homozygotes.

Submissions (2):

Labcorp Genetics (formerly Invitae), Labcorp
Classification: Uncertain significance for Orofaciodigital syndrome I; Joubert syndrome. Last evaluated: 2023-08-01. Review status: criteria provided, single submitter. Criteria: Invitae Variant Classification Sherloc (09022015). Collection method: clinical testing. Allele origin: germline.
Comment: In summary, the available evidence is currently insufficient to determine the role of this variant in disease. Therefore, it has been classified as a Variant of Uncertain Significance. This variant is not present in population databases (gnomAD no frequency). This variant has not been reported in the literature in individuals affected with OFD1-related conditions. ClinVar contains an entry for this variant (Variation ID: 1979121). Advanced modeling of protein sequence and biophysical properties (such as structural, functional, and spatial information, amino acid conservation, physicochemical variation, residue mobility, and thermodynamic stability) performed at Invitae indicates that this missense variant is not expected to disrupt OFD1 protein function. This sequence change replaces lysine, which is basic and polar, with arginine, which is basic and polar, at codon 794 of the OFD1 protein (p.Lys794Arg).

Blueprint Genetics
Classification: Uncertain significance. Last evaluated: 2019-02-08. Review status: criteria provided, single submitter. Criteria: ACMG Guidelines, 2015. Collection method: clinical testing. Allele origin: germline.